The following is an entry in ClinVar:

NM_152641.4(ARID2):c.1716-3C>T

Gene: ARID2 (AT-rich interaction domain 2; plus strand). Cytogenetic location: 12q12.
Variant type: single nucleotide variant.
Coding change: c.1716-3C>T on transcript NM_152641.4 (MANE Select); 3 bases into the intron before coding-DNA position 1716, C replaced by T.
Molecular consequence: intron variant.
Genome position (GRCh38, 1-based): chr12:45,849,577, C>T. VCF-style: chr12-45849577-C-T. GRCh37 (hg19) VCF-style: chr12-46243360-C-T.
Other names: c.1716-3C>T (NM_001347839.2).
Identifiers: ClinVar variation 3345816 (VCV003345816.2).
Genomic context (GRCh38, chr12:45,849,577, plus strand): 5'-ACATAATGTTAGAAGTCAATGTGATAGTTATCAAAACTTACTGATTATGTATGTACTTTA[C>T]AGAACGGTCTTTCCAAATCATACAGTGAAGAGAGTGGAGGATTCCAGTAGCAATGGGCAG-3'

ClinVar aggregate classification (germline): Uncertain significance. Review status: criteria provided, single submitter (1 of 4 stars). 2 submissions from 2 submitters: Uncertain significance (1). 1 of the submissions does not count toward it. Last evaluated 2024-09-06.

Conditions:
ARID2-related disorder. Also called: ARID2-related condition.

Submissions (2):

Centre for Clinical Genetics and Genomic Diagnostics, Zealand University Hospital
Classification: Uncertain significance. Last evaluated: 2024-09-06. Review status: criteria provided, single submitter. Criteria: ACMG Guidelines, 2015. Collection method: clinical testing. Allele origin: germline.

PreventionGenetics, part of Exact Sciences
Classification: Uncertain significance for ARID2-related condition. Last evaluated: 2024-09-27. Review status: no assertion criteria provided. Collection method: clinical testing. Allele origin: germline. Not counted in ClinVar's aggregate classification.
Comment: The ARID2 c.1716-3C>T variant is predicted to interfere with splicing. To our knowledge, this variant has not been reported in the literature or in a large population database, indicating this variant is rare. At this time, the clinical significance of this variant is uncertain due to the absence of conclusive functional and genetic evidence.